The following is an entry in ClinVar:

NM_018896.5(CACNA1G):c.4911+3A>G

Gene: CACNA1G (calcium voltage-gated channel subunit alpha1 G; plus strand). Cytogenetic location: 17q21.33.
Variant type: single nucleotide variant.
Coding change: c.4911+3A>G on transcript NM_018896.5 (MANE Select); 3 bases into the intron after coding-DNA position 4911, A replaced by G.
Molecular consequence: intron variant.
Genome position (GRCh38, 1-based): chr17:50,615,515, A>G. VCF-style: chr17-50615515-A-G. GRCh37 (hg19) VCF-style: chr17-48692876-A-G.
Other names: c.4932+3A>G (NM_001256325.2); c.4878+3A>G (NM_198377.3, NM_198380.3, NM_198378.3 and 1 more transcripts); c.4911+3A>G (NM_198385.3, NM_198384.3, NM_001256333.2 and 1 more transcripts); c.4857+3A>G (NM_001256324.2, NM_198386.3, NM_001256328.2); c.4803+3A>G (NM_001256360.2); c.4797+3A>G (NM_001256361.2); c.4830+3A>G (NM_001256359.2); c.4776+3A>G (NM_001256326.2, NM_001256330.2); and 5 more.
Identifiers: ClinVar variation 2700401 (VCV002700401.3), dbSNP rs2545698496, ClinGen allele CA2697560152.

ClinVar aggregate classification (germline): Uncertain significance (1 of 4 stars; one submission).

Submission:

Labcorp Genetics (formerly Invitae), Labcorp
Classification: Uncertain significance. Last evaluated: 2023-12-02. Review status: criteria provided, single submitter. Criteria: Invitae Variant Classification Sherloc (09022015). Collection method: clinical testing. Allele origin: germline.
Comment: This sequence change falls in intron 27 of the CACNA1G gene. It does not directly change the encoded amino acid sequence of the CACNA1G protein. It affects a nucleotide within the consensus splice site. This variant is not present in population databases (gnomAD no frequency). This variant has not been reported in the literature in individuals affected with CACNA1G-related conditions. Variants that disrupt the consensus splice site are a relatively common cause of aberrant splicing (PMID: 17576681, 9536098). Algorithms developed to predict the effect of sequence changes on RNA splicing suggest that this variant is not likely to affect RNA splicing. In summary, the available evidence is currently insufficient to determine the role of this variant in disease. Therefore, it has been classified as a Variant of Uncertain Significance.

Literature cited by the submitters: PubMed 17576681; PubMed 9536098.